The following is an entry in ClinVar:

NM_000543.5(SMPD1):c.1460C>T (p.Ala487Val)

Gene: SMPD1 (sphingomyelin phosphodiesterase 1; plus strand). Cytogenetic location: 11p15.4.
Variant type: single nucleotide variant.
Coding change: c.1460C>T on transcript NM_000543.5 (MANE Select); coding-DNA position 1460, C replaced by T.
Protein change: p.Ala487Val; replaces alanine 487 with valine.
Molecular consequence: missense variant. On other transcripts: non-coding transcript variant (2).
Genome position (GRCh38, 1-based): chr11:6,394,015, C>T. VCF-style: chr11-6394015-C-T. GRCh37 (hg19) VCF-style: chr11-6415245-C-T.
Other names: c.1457C>T, p.Ala486Val (NM_001007593.3); c.1460C>T, p.Ala487Val (NM_001318087.2); c.539C>T, p.Ala180Val (NM_001318088.2); c.1328C>T, p.Ala443Val (NM_001365135.2); short protein forms A487V, A180V, A443V, A486V.
Identifiers: ClinVar variation 235490 (VCV000235490.69), dbSNP rs141641266, ClinGen allele CA5852895.
Genomic context (GRCh38, chr11:6,394,015, plus strand): 5'-TCTTCTATGATGAAGAGACTCTGAGCCGGCCGCTGGCTGTAGCCTTCCTGGCACCCAGTG[C>T]AACTACCTACATCGGCCTTAATCCTGGTGAGTGAGGCAGAAGGGAGCCTCCCTTATCCTG-3'
Protein context (NP_000534.3, residues 477-497): PLAVAFLAPS[Ala487Val]TTYIGLNPGY

ClinVar aggregate classification (germline): Benign/Likely benign. Review status: criteria provided, multiple submitters, no conflicts (2 of 4 stars). 13 submissions from 13 submitters: Benign (2); Likely benign (6). 5 of the submissions do not count toward it. Last evaluated 2026-06-25.

Conditions:
SMPD1-related disorder. Also called: SMPD1-related condition.
Niemann-Pick disease, type B. Also called: Chronic Visceral ASMD (Niemann-Pick Disease Type B; NPD-B). Identifiers: Orphanet 77293, MedGen C0268243, MONDO:0011871, OMIM 607616. Disease mechanism: loss of function.
Niemann-Pick disease, type A. Also called: SPHINGOMYELIN LIPIDOSIS; SPHINGOMYELINASE DEFICIENCY; Infantile Neurovisceral ASMD (Niemann-Pick Disease Type A; NPD-A). Identifiers: Orphanet 77292, MedGen C0268242, MONDO:0009756, OMIM 257200. Disease mechanism: loss of function.

Allele frequency attached by ClinVar (database versions not stated): 1000 Genomes Project 30x 0.00062; 1000 Genomes Project 0.00080; TOPMed 0.00245; gnomAD 0.00273 and 0.00282; gnomAD exomes 0.00281 and 0.00463; ExAC 0.00296; ESP Exome Variant Server 0.00392.

Submissions 1 to 28 of 47:

PreventionGenetics, part of Exact Sciences
Classification: Likely benign for SMPD1-related condition. Last evaluated: 2026-06-25. Review status: criteria provided, single submitter. Criteria: ACMG Guidelines, 2015. Collection method: clinical testing. Allele origin: germline.
Comment: This variant is classified as likely benign based on ACMG/AMP sequence variant interpretation guidelines (Richards et al. 2015 PMID: 25741868, with internal and published modifications).

CeGaT Center for Human Genetics Tuebingen
Classification: Likely benign. Last evaluated: 2026-03-01. Review status: criteria provided, single submitter. Criteria: CeGaT Center For Human Genetics Tuebingen Variant Classification Criteria Version 2. Collection method: clinical testing. Allele origin: germline. Affected: yes. Observed: 12 variant alleles.
Comment: SMPD1: BS2

Labcorp Genetics (formerly Invitae), Labcorp
Classification: Benign for Niemann-Pick disease, type B; Niemann-Pick disease, type A. Last evaluated: 2026-02-04. Review status: criteria provided, single submitter. Criteria: Invitae Variant Classification Sherloc (09022015). Collection method: clinical testing. Allele origin: germline.

Blueprint Genetics
Classification: Likely benign. Last evaluated: 2024-11-14. Review status: criteria provided, single submitter. Criteria: ACMG Guidelines, 2015. Collection method: clinical testing. Allele origin: germline.

GeneDx
Classification: Likely benign. Last evaluated: 2020-11-11. Review status: criteria provided, single submitter. Criteria: GeneDx Variant Classification Process June 2021. Collection method: clinical testing. Allele origin: germline. Affected: yes.
Comment: This variant is associated with the following publications: (PMID: 30548430, 28475290, 29140481, 26084044, 12369017, 23770607, 23430512)

Illumina Laboratory Services, Illumina
Classification: Likely benign for Niemann-Pick disease, type A. Last evaluated: 2017-04-27. Review status: criteria provided, single submitter. Criteria: ICSL Variant Classification Criteria 13 December 2019. Collection method: clinical testing. Allele origin: germline.
Comment: This variant was observed as part of a predisposition screen in an ostensibly healthy population. A literature search was performed for the gene, cDNA change, and amino acid change (where applicable). Publications were found based on this search. The evidence from the literature, in combination with allele frequency data from public databases where available, was sufficient to determine this variant is unlikely to cause disease. Therefore, this variant is classified as likely benign.

Eurofins Ntd Llc (ga)
Classification: Benign. Last evaluated: 2016-07-05. Review status: criteria provided, single submitter. Criteria: EGL Classification Definitions 2015. Collection method: clinical testing. Allele origin: germline. Observed: 1 variant allele, 1 heterozygote.

Center for Pediatric Genomic Medicine, Children's Mercy Hospital and Clinics
Classification: Likely benign. Last evaluated: 2016-04-19. Review status: criteria provided, single submitter. Criteria: ACMG Guidelines, 2015. Collection method: clinical testing. Allele origin: germline.
ClinVar note: Converted during submission from Likely Benign to Likely benign.

Counsyl
Classification: Uncertain significance for Niemann-Pick disease, type A. Last evaluated: 2018-01-11. Review status: no assertion criteria provided. Collection method: clinical testing. Allele origin: unknown. Not counted in ClinVar's aggregate classification.

Mayo Clinic Laboratories, Mayo Clinic
Classification: Benign. Last evaluated: 2017-06-14. Review status: no assertion criteria provided. Collection method: clinical testing. Allele origin: unknown. Not counted in ClinVar's aggregate classification.

Natera, Inc.
Classification: Benign for Niemann-Pick Disease, Types A/B. Last evaluated: 2017-05-08. Review status: no assertion criteria provided. Collection method: clinical testing. Allele origin: germline. Not counted in ClinVar's aggregate classification.

Diagnostic Laboratory, Department of Genetics, University Medical Center Groningen
Classification: Likely benign. Review status: no assertion criteria provided. Collection method: clinical testing. Allele origin: germline. Affected: yes. Study: VKGL Data-share Consensus. Not counted in ClinVar's aggregate classification.

Dr. Peter K. Rogan Lab, Western University
No classification provided (evidence only). Condition: Malignant tumor of urinary bladder. Review status: no classification provided. Collection method: in vitro. Allele origin: not applicable. Functional consequence: retained intron. Not counted in ClinVar's aggregate classification.

Dr. Peter K. Rogan Lab, Western University
No classification provided (evidence only). Condition: Clear cell carcinoma of kidney. Review status: no classification provided. Collection method: in vitro. Allele origin: not applicable. Functional consequence: retained intron. Not counted in ClinVar's aggregate classification.

Dr. Peter K. Rogan Lab, Western University
No classification provided (evidence only). Condition: Clear cell carcinoma of kidney. Review status: no classification provided. Collection method: in vitro. Allele origin: not applicable. Functional consequence: retained intron. Not counted in ClinVar's aggregate classification.

Dr. Peter K. Rogan Lab, Western University
No classification provided (evidence only). Condition: Clear cell carcinoma of kidney. Review status: no classification provided. Collection method: in vitro. Allele origin: not applicable. Functional consequence: retained intron. Not counted in ClinVar's aggregate classification.

Dr. Peter K. Rogan Lab, Western University
No classification provided (evidence only). Condition: Clear cell carcinoma of kidney. Review status: no classification provided. Collection method: in vitro. Allele origin: not applicable. Functional consequence: retained intron. Not counted in ClinVar's aggregate classification.

Dr. Peter K. Rogan Lab, Western University
No classification provided (evidence only). Condition: Lung cancer. Review status: no classification provided. Collection method: in vitro. Allele origin: not applicable. Functional consequence: retained intron. Not counted in ClinVar's aggregate classification.

Dr. Peter K. Rogan Lab, Western University
No classification provided (evidence only). Condition: Lung cancer. Review status: no classification provided. Collection method: in vitro. Allele origin: not applicable. Functional consequence: retained intron. Not counted in ClinVar's aggregate classification.

Dr. Peter K. Rogan Lab, Western University
No classification provided (evidence only). Condition: Lung cancer. Review status: no classification provided. Collection method: in vitro. Allele origin: not applicable. Functional consequence: retained intron. Not counted in ClinVar's aggregate classification.

Dr. Peter K. Rogan Lab, Western University
No classification provided (evidence only). Condition: Lung cancer. Review status: no classification provided. Collection method: in vitro. Allele origin: not applicable. Functional consequence: retained intron. Not counted in ClinVar's aggregate classification.

Dr. Peter K. Rogan Lab, Western University
No classification provided (evidence only). Condition: Lung cancer. Review status: no classification provided. Collection method: in vitro. Allele origin: not applicable. Functional consequence: retained intron. Not counted in ClinVar's aggregate classification.

Dr. Peter K. Rogan Lab, Western University
No classification provided (evidence only). Condition: Melanoma. Review status: no classification provided. Collection method: in vitro. Allele origin: not applicable. Functional consequence: retained intron. Not counted in ClinVar's aggregate classification.

Dr. Peter K. Rogan Lab, Western University
No classification provided (evidence only). Condition: Melanoma. Review status: no classification provided. Collection method: in vitro. Allele origin: not applicable. Functional consequence: retained intron. Not counted in ClinVar's aggregate classification.

Dr. Peter K. Rogan Lab, Western University
No classification provided (evidence only). Condition: Melanoma. Review status: no classification provided. Collection method: in vitro. Allele origin: not applicable. Functional consequence: retained intron. Not counted in ClinVar's aggregate classification.

Dr. Peter K. Rogan Lab, Western University
No classification provided (evidence only). Condition: Melanoma. Review status: no classification provided. Collection method: in vitro. Allele origin: not applicable. Functional consequence: retained intron. Not counted in ClinVar's aggregate classification.

Dr. Peter K. Rogan Lab, Western University
No classification provided (evidence only). Condition: Familial cancer of breast. Review status: no classification provided. Collection method: in vitro. Allele origin: not applicable. Functional consequence: retained intron. Not counted in ClinVar's aggregate classification.

Dr. Peter K. Rogan Lab, Western University
No classification provided (evidence only). Condition: Familial cancer of breast. Review status: no classification provided. Collection method: in vitro. Allele origin: not applicable. Functional consequence: retained intron. Not counted in ClinVar's aggregate classification.